The following is an entry in ClinVar:

NM_000252.3(MTM1):c.359G>A (p.Arg120Lys)

Gene: MTM1 (myotubularin 1; plus strand). Cytogenetic location: Xq28.
Variant type: single nucleotide variant.
Coding change: c.359G>A on transcript NM_000252.3 (MANE Select); coding-DNA position 359, G replaced by A.
Protein change: p.Arg120Lys; replaces arginine 120 with lysine.
Molecular consequence: missense variant.
Genome position (GRCh38, 1-based): chrX:150,619,054, G>A. VCF-style: chrX-150619054-G-A. GRCh37 (hg19) VCF-style: chrX-149787527-G-A.
Other names: c.359G>A, p.Arg120Lys (NM_001376908.1, NM_001376906.1); c.248G>A, p.Arg83Lys (NM_001376907.1); short protein forms R120K, R83K.
Identifiers: ClinVar variation 1956463 (VCV001956463.5), dbSNP rs2522253465, ClinGen allele CA415251057.

ClinVar aggregate classification (germline): Uncertain significance (1 of 4 stars; one submission).

Conditions:
Severe X-linked myotubular myopathy (CNMX). Also called: Myotubular myopathy, X-linked; MYOTUBULAR MYOPATHY 1; X-linked centronuclear myopathy. Identifiers: Orphanet 596, MedGen C0410203, MONDO:0010683, OMIM 310400.

gnomAD v4.1: 1 of 1,207,979 alleles (0.000083%); no homozygotes.

Submission:

Labcorp Genetics (formerly Invitae), Labcorp
Classification: Uncertain significance for Severe X-linked myotubular myopathy. Last evaluated: 2022-10-17. Review status: criteria provided, single submitter. Criteria: Invitae Variant Classification Sherloc (09022015). Collection method: clinical testing. Allele origin: germline.
Comment: In summary, the available evidence is currently insufficient to determine the role of this variant in disease. Therefore, it has been classified as a Variant of Uncertain Significance. Advanced modeling of protein sequence and biophysical properties (such as structural, functional, and spatial information, amino acid conservation, physicochemical variation, residue mobility, and thermodynamic stability) performed at Invitae indicates that this missense variant is not expected to disrupt MTM1 protein function. This variant has not been reported in the literature in individuals affected with MTM1-related conditions. This variant is not present in population databases (gnomAD no frequency). This sequence change replaces arginine, which is basic and polar, with lysine, which is basic and polar, at codon 120 of the MTM1 protein (p.Arg120Lys).